The following is an entry in ClinVar:

ClinVar aggregate classification (germline): Benign (1 of 4 stars; one submission).

Allele frequency attached by ClinVar (database versions not stated): gnomAD exomes 0.34097; ExAC 0.35512; gnomAD 0.38029; TOPMed 0.38217; ESP Exome Variant Server 0.38328; 1000 Genomes Project 30x 0.40334; 1000 Genomes Project 0.40655.
gnomAD v4.1: 556,068 of 1,612,414 alleles (34%); highest among the groups gnomAD compares: African/African-American, 49%; 97,390 homozygotes.

Submission:

Unidad de Genómica Garrahan, Hospital de Pediatría Garrahan
Classification: Benign. Last evaluated: 2024-01-24. Review status: criteria provided, single submitter. Criteria: ACMG Guidelines, 2015. Collection method: clinical testing. Allele origin: germline. Affected: no. Observed: 58 variant alleles.
Comment: This variant is classified as Benign based on local population frequency. This variant was detected in 66% of patients studied by a panel of primary immunodeficiencies. Number of patients: 58. Only high quality variants are reported.

NM_002198.3(IRF1):c.544+25A>G

Genes: IRF1 (interferon regulatory factor 1; minus strand), LOC126807508 (CDK7 strongly-dependent group 2 enhancer GRCh37_chr5:131821689-131822888; plus strand). Cytogenetic location: 5q31.1.
Variant type: single nucleotide variant.
Coding change: c.544+25A>G on transcript NM_002198.3 (MANE Select); 25 bases into the intron after coding-DNA position 544, A replaced by G.
Molecular consequence: intron variant.
Genome position (GRCh38, 1-based): chr5:132,486,532, T>C on the plus strand (A>G on the coding strand, the complement: IRF1 is on the minus strand). VCF-style: chr5-132486532-T-C. GRCh37 (hg19) VCF-style: chr5-131822224-T-C.
Other names: c.544+25A>G (NM_001354924.1, NM_001354925.1).
Identifiers: ClinVar variation 2688383 (VCV002688383.2), dbSNP rs9282761, ClinGen allele CA3404574.